The following is an entry in ClinVar:

ClinVar aggregate classification (germline): Pathogenic. Review status: criteria provided, single submitter (1 of 4 stars). 2 submissions from 2 submitters: Pathogenic (1). 1 of the submissions does not count toward it. Last evaluated 2024-09-30.

Conditions:
Peroxisome biogenesis disorder type 3B. Identifiers: Orphanet 44, Orphanet 772, MedGen C3550693, MONDO:0009959, OMIM 266510.
Peroxisome biogenesis disorder 3A (Zellweger). Also called: PEROXISOMAL BIOGENESIS DISORDER 3A (ZELLWEGER); Peroxisome biogenesis disorder 3A. Identifiers: Orphanet 912, MedGen C3553929, MONDO:0013927, OMIM 614859.

Allele frequency attached by ClinVar (database versions not stated): gnomAD exomes below 0.00001; gnomAD 0.00001; TOPMed 0.00001.
gnomAD v4.1: 2 of 1,614,152 alleles (0.00012%); highest among the groups gnomAD compares: African/African-American, 0.0027%; no homozygotes.

Submissions (2):

Labcorp Genetics (formerly Invitae), Labcorp
Classification: Pathogenic for Peroxisome biogenesis disorder 3A (Zellweger). Last evaluated: 2024-09-30. Review status: criteria provided, single submitter. Criteria: Invitae Variant Classification Sherloc (09022015). Collection method: clinical testing. Allele origin: germline.
Comment: This sequence change creates a premature translational stop signal (p.Gln17*) in the PEX12 gene. It is expected to result in an absent or disrupted protein product. Loss-of-function variants in PEX12 are known to be pathogenic (PMID: 9090384, 9632816, 21031596). This variant is present in population databases (no rsID available, gnomAD 0.007%). This variant has not been reported in the literature in individuals affected with PEX12-related conditions. ClinVar contains an entry for this variant (Variation ID: 550907). Algorithms developed to predict the effect of sequence changes on RNA splicing suggest that this variant may disrupt the consensus splice site. For these reasons, this variant has been classified as Pathogenic.

Counsyl
Classification: Likely pathogenic for Peroxisome biogenesis disorder type 3B; Peroxisome biogenesis disorder 3A (Zellweger). Last evaluated: 2017-02-28. Review status: no assertion criteria provided. Collection method: clinical testing. Allele origin: unknown. Not counted in ClinVar's aggregate classification.

Literature cited by the submitters: PubMed 9090384 (cited by Labcorp Genetics (formerly Invitae), Labcorp); PubMed 9632816 (cited by Labcorp Genetics (formerly Invitae), Labcorp); PubMed 21031596 (cited by Labcorp Genetics (formerly Invitae), Labcorp).

NM_000286.3(PEX12):c.49C>T (p.Gln17Ter)

Gene: PEX12 (peroxisomal biogenesis factor 12; minus strand). Cytogenetic location: 17q12.
Variant type: single nucleotide variant.
Coding change: c.49C>T on transcript NM_000286.3 (MANE Select); coding-DNA position 49, C replaced by T.
Protein change: p.Gln17Ter; replaces glutamine 17 with a stop codon.
Molecular consequence: nonsense.
Genome position (GRCh38, 1-based): chr17:35,577,973, G>A on the plus strand (C>T on the coding strand, the complement: PEX12 is on the minus strand). VCF-style: chr17-35577973-G-A. GRCh37 (hg19) VCF-style: chr17-33904992-G-A.
Other names: short protein forms Q17*.
Identifiers: ClinVar variation 550907 (VCV000550907.7), dbSNP rs888633730, ClinGen allele CA290070309.